The following is an entry in ClinVar:

ClinVar aggregate classification (germline): Uncertain significance (1 of 4 stars; one submission).

Conditions:
Spastic paraplegia. Identifiers: MedGen C0037772, HP:0001258.

Submission:

Labcorp Genetics (formerly Invitae), Labcorp
Classification: Uncertain significance for Spastic paraplegia. Last evaluated: 2024-02-29. Review status: criteria provided, single submitter. Criteria: Invitae Variant Classification Sherloc (09022015). Collection method: clinical testing. Allele origin: germline.
Comment: This sequence change falls in intron 24 of the KDM5C gene. It does not directly change the encoded amino acid sequence of the KDM5C protein. It affects a nucleotide within the consensus splice site. This variant is not present in population databases (gnomAD no frequency). This variant has not been reported in the literature in individuals affected with KDM5C-related conditions. Variants that disrupt the consensus splice site are a relatively common cause of aberrant splicing (PMID: 17576681, 9536098). Algorithms developed to predict the effect of sequence changes on RNA splicing suggest that this variant is not likely to affect RNA splicing. In summary, the available evidence is currently insufficient to determine the role of this variant in disease. Therefore, it has been classified as a Variant of Uncertain Significance.

Literature cited by the submitters: PubMed 17576681; PubMed 9536098.

NM_004187.5(KDM5C):c.4117+4G>A

Gene: KDM5C (lysine demethylase 5C; minus strand). Cytogenetic location: Xp11.22.
Variant type: single nucleotide variant.
Coding change: c.4117+4G>A on transcript NM_004187.5 (MANE Select); 4 bases into the intron after coding-DNA position 4117, G replaced by A.
Molecular consequence: intron variant.
Genome position (GRCh38, 1-based): chrX:53,193,769, C>T on the plus strand (G>A on the coding strand, the complement: KDM5C is on the minus strand). VCF-style: chrX-53193769-C-T. GRCh37 (hg19) VCF-style: chrX-53222951-C-T.
Other names: c.4105+13G>A (NM_001353982.2); c.4114+4G>A (NM_001353979.2, NM_001282622.3); c.4108+13G>A (NM_001353981.2, NM_001353984.2, NM_001353978.3); c.3907+13G>A (NM_001146702.2).
Identifiers: ClinVar variation 3696745 (VCV003696745.2).